The following is an entry in ClinVar:

NM_004006.3(DMD):c.7310-17A>G

Gene: DMD (dystrophin; minus strand). Cytogenetic location: Xp21.1.
Variant type: single nucleotide variant.
Coding change: c.7310-17A>G on transcript NM_004006.3 (MANE Select); 17 bases into the intron before coding-DNA position 7310, A replaced by G.
Molecular consequence: intron variant.
Genome position (GRCh38, 1-based): chrX:31,774,209, T>C on the plus strand (A>G on the coding strand, the complement: DMD is on the minus strand). VCF-style: chrX-31774209-T-C. GRCh37 (hg19) VCF-style: chrX-31792326-T-C.
Other names: c.7286-17A>G (NM_000109.4); c.3287-17A>G (NM_004011.4); c.3278-17A>G (NM_004012.4); c.-71-17A>G (NM_004023.3, NM_004020.4, NM_004022.3 and 2 more transcripts); c.7298-17A>G (NM_004009.3); c.6941-17A>G (NM_004010.3).
Identifiers: ClinVar variation 1491566 (VCV001491566.6), dbSNP rs2149245738, ClinGen allele CA2573158643.

ClinVar aggregate classification (germline): Uncertain significance (1 of 4 stars; one submission).

Conditions:
Duchenne muscular dystrophy (DMD). Also called: Duchenne Muscular Dystrophy (DMD); MUSCULAR DYSTROPHY, PSEUDOHYPERTROPHIC PROGRESSIVE, DUCHENNE TYPE. Identifiers: Orphanet 98896, MedGen C0013264, MONDO:0010679, OMIM 310200.

Submission:

Labcorp Genetics (formerly Invitae), Labcorp
Classification: Uncertain significance for Duchenne muscular dystrophy. Last evaluated: 2022-06-28. Review status: criteria provided, single submitter. Criteria: Invitae Variant Classification Sherloc (09022015). Collection method: clinical testing. Allele origin: germline.
Comment: This sequence change falls in intron 50 of the DMD gene. It does not directly change the encoded amino acid sequence of the DMD protein. This variant is not present in population databases (gnomAD no frequency). This variant has not been reported in the literature in individuals affected with DMD-related conditions. Algorithms developed to predict the effect of sequence changes on RNA splicing suggest that this variant may disrupt the consensus splice site. In summary, the available evidence is currently insufficient to determine the role of this variant in disease. Therefore, it has been classified as a Variant of Uncertain Significance.